The following is an entry in ClinVar:

ClinVar aggregate classification (germline): Uncertain significance (1 of 4 stars; one submission).

Submission:

GeneDx
Classification: Uncertain significance. Last evaluated: 2022-05-05. Review status: criteria provided, single submitter. Criteria: GeneDx Variant Classification Process June 2021. Collection method: clinical testing. Allele origin: germline. Affected: yes.
Comment: Not observed at significant frequency in large population cohorts (gnomAD); In silico analysis supports that this variant does not alter splicing; Has not been previously published as pathogenic or benign to our knowledge

NM_000381.4(MID1):c.627G>A (p.Val209=)

Gene: MID1 (midline 1; minus strand). Cytogenetic location: Xp22.2.
Variant type: single nucleotide variant.
Coding change: c.627G>A on transcript NM_000381.4 (MANE Select); coding-DNA position 627, G replaced by A.
Protein change: p.Val209=; no amino-acid change (valine 209 retained).
Molecular consequence: synonymous variant. On other transcripts: intron variant (2).
Genome position (GRCh38, 1-based): chrX:10,566,921, C>T on the plus strand (G>A on the coding strand, the complement: MID1 is on the minus strand). VCF-style: chrX-10566921-C-T. GRCh37 (hg19) VCF-style: chrX-10534961-C-T.
Other names: c.627G>A, p.Val209= (NM_001098624.2, NM_001193277.1, NM_001193278.1 and 3 more transcripts); c.546+81G>A (NM_033289.2, NM_001193280.1).
Identifiers: ClinVar variation 1722798 (VCV001722798.2), dbSNP rs2519199984, ClinGen allele CA515488615.
Genomic context (GRCh38, chrX:10,566,921, plus strand): 5'-GGTTGGCTTAAGGCGGATCGGACTAACCTTCAATTTGTCATAGCGCTCACTCAAAGCTGC[C>T]ACCTGATGATCGCGGTGCCGCCCAACCAGTTTACACAAGGCACAGATTAACTGGTCATCG-3'
Protein context (NP_000372.1, residues 199-219): KLVGRHRDHQ[Val209=]AALSERYDKL